The following is an entry in ClinVar:

NM_006514.4(SCN10A):c.691+1G>A

Gene: SCN10A (sodium voltage-gated channel alpha subunit 10; minus strand). Cytogenetic location: 3p22.2.
Variant type: single nucleotide variant.
Coding change: c.691+1G>A on transcript NM_006514.4 (MANE Select); the canonical splice donor site of the intron after coding-DNA position 691, G replaced by A.
Molecular consequence: splice donor variant.
Genome position (GRCh38, 1-based): chr3:38,763,504, C>T on the plus strand (G>A on the coding strand, the complement: SCN10A is on the minus strand). VCF-style: chr3-38763504-C-T. GRCh37 (hg19) VCF-style: chr3-38804995-C-T.
Other names: c.691+1G>A (NM_001293307.2, NM_001293306.2).
Identifiers: ClinVar variation 2653678 (VCV002653678.24), dbSNP rs1252084333, ClinGen allele CA352171962.

ClinVar aggregate classification (germline): Uncertain significance (1 of 4 stars; one submission).

Allele frequency attached by ClinVar (database versions not stated): gnomAD 0.00001; TOPMed below 0.00001.
gnomAD v4.1: 15 of 1,611,700 alleles (0.00093%); highest among the groups gnomAD compares: Non-Finnish European, 0.0013%; no homozygotes.

Submission:

CeGaT Center for Human Genetics Tuebingen
Classification: Uncertain significance. Last evaluated: 2022-09-01. Review status: criteria provided, single submitter. Criteria: CeGaT Center For Human Genetics Tuebingen Variant Classification Criteria Version 2. Collection method: clinical testing. Allele origin: germline. Affected: yes. Observed: 1 variant allele.
Comment: SCN10A: PM2